The following is an entry in ClinVar:

ClinVar aggregate classification (germline): Uncertain significance. Review status: criteria provided, multiple submitters, no conflicts (2 of 4 stars). 2 submissions from 2 submitters: Uncertain significance (2). Last evaluated 2024-11-15.

Allele frequency attached by ClinVar (database versions not stated): gnomAD exomes below 0.00001; TOPMed below 0.00001; gnomAD 0.00001; ExAC 0.00002.
gnomAD v4.1: 6 of 1,613,556 alleles (0.00037%); highest among the groups gnomAD compares: South Asian, 0.0011%; no homozygotes.

Submissions (2):

Blueprint Genetics
Classification: Uncertain significance. Last evaluated: 2024-11-15. Review status: criteria provided, single submitter. Criteria: ACMG Guidelines, 2015. Collection method: clinical testing. Allele origin: germline.

Labcorp Genetics (formerly Invitae), Labcorp
Classification: Uncertain significance. Last evaluated: 2022-02-19. Review status: criteria provided, single submitter. Criteria: Invitae Variant Classification Sherloc (09022015). Collection method: clinical testing. Allele origin: germline.
Comment: This sequence change replaces glutamic acid, which is acidic and polar, with lysine, which is basic and polar, at codon 290 of the TULP1 protein (p.Glu290Lys). This variant is present in population databases (rs779445674, gnomAD 0.003%). This variant has not been reported in the literature in individuals affected with TULP1-related conditions. Algorithms developed to predict the effect of missense changes on protein structure and function are either unavailable or do not agree on the potential impact of this missense change (SIFT: "Not Available"; PolyPhen-2: "Benign"; Align-GVGD: "Not Available"). In summary, the available evidence is currently insufficient to determine the role of this variant in disease. Therefore, it has been classified as a Variant of Uncertain Significance.

NM_003322.6(TULP1):c.868G>A (p.Glu290Lys)

Gene: TULP1 (TUB like protein 1; minus strand). Cytogenetic location: 6p21.31.
Variant type: single nucleotide variant.
Coding change: c.868G>A on transcript NM_003322.6 (MANE Select); coding-DNA position 868, G replaced by A.
Protein change: p.Glu290Lys; replaces glutamic acid 290 with lysine.
Molecular consequence: missense variant.
Genome position (GRCh38, 1-based): chr6:35,506,134, C>T on the plus strand (G>A on the coding strand, the complement: TULP1 is on the minus strand). VCF-style: chr6-35506134-C-T. GRCh37 (hg19) VCF-style: chr6-35473911-C-T.
Other names: c.709G>A, p.Glu237Lys (NM_001289395.2); short protein forms E237K, E290K.
Identifiers: ClinVar variation 1950393 (VCV001950393.3), dbSNP rs779445674, ClinGen allele CA3772755.